The following is an entry in ClinVar:

ClinVar aggregate classification (germline): Uncertain significance (1 of 4 stars; one submission).

Submission:

Labcorp Genetics (formerly Invitae), Labcorp
Classification: Uncertain significance. Last evaluated: 2025-06-15. Review status: criteria provided, single submitter. Criteria: Invitae Variant Classification Sherloc (09022015). Collection method: clinical testing. Allele origin: germline.
Comment: This sequence change replaces valine, which is neutral and non-polar, with alanine, which is neutral and non-polar, at codon 269 of the ICOSLG protein (p.Val269Ala). This variant is not present in population databases (gnomAD no frequency). This variant has not been reported in the literature in individuals affected with ICOSLG-related conditions. An algorithm developed to predict the effect of missense changes on protein structure and function outputs the following: PolyPhen-2: "Benign". The alanine amino acid residue is found in multiple mammalian species, which suggests that this missense change does not adversely affect protein function. In summary, the available evidence is currently insufficient to determine the role of this variant in disease. Therefore, it has been classified as a Variant of Uncertain Significance.

NM_015259.6(ICOSLG):c.806T>C (p.Val269Ala)

Gene: ICOSLG (inducible T cell costimulator ligand; minus strand). Cytogenetic location: 21q22.3.
Variant type: single nucleotide variant.
Coding change: c.806T>C on transcript NM_015259.6 (MANE Select); coding-DNA position 806, T replaced by C.
Protein change: p.Val269Ala; replaces valine 269 with alanine.
Molecular consequence: missense variant.
Genome position (GRCh38, 1-based): chr21:44,231,336, A>G on the plus strand (T>C on the coding strand, the complement: ICOSLG is on the minus strand). VCF-style: chr21-44231336-A-G. GRCh37 (hg19) VCF-style: chr21-45651219-A-G.
Other names: c.551T>C, p.Val184Ala (NM_001283052.2); c.725T>C, p.Val242Ala (NM_001365759.2); c.806T>C, p.Val269Ala (NM_001395918.1, NM_001283050.2); c.455T>C, p.Val152Ala (NM_001283051.2); short protein forms V184A, V152A, V242A, V269A.
Identifiers: ClinVar variation 4770519 (VCV004770519.1).